The following is an entry in ClinVar:

NM_021267.5(CERS1):c.688G>A (p.Gly230Ser)

Genes: CERS1 (ceramide synthase 1; minus strand), GDF1 (growth differentiation factor 1; minus strand). Cytogenetic location: 19p13.11.
Variant type: single nucleotide variant.
Coding change: c.688G>A on transcript NM_021267.5 (MANE Select); coding-DNA position 688, G replaced by A.
Protein change: p.Gly230Ser; replaces glycine 230 with serine.
Molecular consequence: missense variant. On other transcripts: 5 prime UTR variant (1), intron variant (1).
Genome position (GRCh38, 1-based): chr19:18,880,338, C>T on the plus strand (G>A on the coding strand, the complement: CERS1 is on the minus strand). VCF-style: chr19-18880338-C-T. GRCh37 (hg19) VCF-style: chr19-18991147-C-T.
Other names: c.394G>A, p.Gly132Ser (NM_001290265.2, NM_001387442.1, NM_001387443.1 and 2 more transcripts); c.688G>A, p.Gly230Ser (NM_001387439.1, NM_001387440.1, NM_198207.3); c.643G>A, p.Gly215Ser (NM_001387441.1); c.-635G>A (NM_001492.6); c.-313+3749G>A (NM_001387438.1); short protein forms G132S, G230S, G215S.
Identifiers: ClinVar variation 1026558 (VCV001026558.8), dbSNP rs935097145, ClinGen allele CA306245266.
Genomic context (GRCh38, chr19:18,880,338, plus strand): 5'-TGAAGCCGAAGCTGAGGCAGCCCAAGTCTGCTGCCAAGGCATGCAGCCGATGGTAGGAGC[C>T]GCCGCGGGACTTGAAGTAAATGTTGAGCTTGGTGAACTCAAGCTGCACGTCACTGATATC-3'
Protein context (NP_067090.1, residues 220-240): KLNIYFKSRG[Gly230Ser]SYHRLHALAA

ClinVar aggregate classification (germline): Uncertain significance (1 of 4 stars; one submission).

Conditions:
Progressive myoclonic epilepsy type 8. Identifiers: Orphanet 424027, MedGen C5190825, MONDO:0014545, OMIM 616230.

Allele frequency attached by ClinVar (database versions not stated): gnomAD below 0.00001 and 0.00001; gnomAD exomes below 0.00001; TOPMed 0.00001.
gnomAD v4.1: 3 of 1,556,338 alleles (0.00019%); highest among the groups gnomAD compares: East Asian, 0.0024%; no homozygotes.

Submission:

Labcorp Genetics (formerly Invitae), Labcorp
Classification: Uncertain significance for Progressive myoclonic epilepsy type 8. Last evaluated: 2020-03-26. Review status: criteria provided, single submitter. Criteria: Invitae Variant Classification Sherloc (09022015). Collection method: clinical testing. Allele origin: germline.
Comment: In summary, the available evidence is currently insufficient to determine the role of this variant in disease. Therefore, it has been classified as a Variant of Uncertain Significance. Algorithms developed to predict the effect of missense changes on protein structure and function are either unavailable or do not agree on the potential impact of this missense change (SIFT: "Tolerated"; PolyPhen-2: "Probably Damaging"; Align-GVGD: "Class C0"). This variant has not been reported in the literature in individuals with CERS1-related conditions. This variant is not present in population databases (ExAC no frequency). This sequence change replaces glycine with serine at codon 230 of the CERS1 protein (p.Gly230Ser). The glycine residue is highly conserved and there is a small physicochemical difference between glycine and serine.